The following is an entry in ClinVar:

ClinVar aggregate classification (germline): Uncertain significance (1 of 4 stars; one submission).

Conditions:
Hypertrophic cardiomyopathy. Also called: HYPERTROPHIC MYOCARDIOPATHY. Identifiers: Orphanet 217569, MedGen C0007194, MeSH D002312, MONDO:0005045, HP:0001639.
Primary dilated cardiomyopathy (DCM). Also called: Dilated Cardiomyopathy. Identifiers: Orphanet 217604, MedGen C0007193, MeSH D002311, MONDO:0005021, HP:0001644. Inheritance: Various modes of inheritance.

Submission:

Labcorp Genetics (formerly Invitae), Labcorp
Classification: Uncertain significance for Hypertrophic cardiomyopathy; Primary dilated cardiomyopathy. Last evaluated: 2022-08-16. Review status: criteria provided, single submitter. Criteria: Invitae Variant Classification Sherloc (09022015). Collection method: clinical testing. Allele origin: germline.
Comment: This sequence change affects a donor splice site in intron 1 of the PDLIM3 gene. It is expected to disrupt RNA splicing. Variants that disrupt the donor or acceptor splice site typically lead to a loss of protein function (PMID: 16199547), however the current clinical and genetic evidence is not sufficient to establish whether loss-of-function variants in PDLIM3 cause disease. This variant is not present in population databases (gnomAD no frequency). This variant has not been reported in the literature in individuals affected with PDLIM3-related conditions. ClinVar contains an entry for this variant (Variation ID: 1064403). Algorithms developed to predict the effect of sequence changes on RNA splicing suggest that this variant may disrupt the consensus splice site. In summary, the available evidence is currently insufficient to determine the role of this variant in disease. Therefore, it has been classified as a Variant of Uncertain Significance.

Literature cited by the submitters: PubMed 16199547.

NM_014476.6(PDLIM3):c.93+2_93+4del

Gene: PDLIM3 (PDZ and LIM domain 3; minus strand). Cytogenetic location: 4q35.1.
Variant type: Deletion.
Coding change: c.93+2_93+4del on transcript NM_014476.6 (MANE Select); the canonical splice donor site of the intron after coding-DNA position 93 through 4 bases into the intron after coding-DNA position 93, 3 bases deleted (TAG; older notation c.93+2_93+4delTAG).
Molecular consequence: splice donor variant.
Genome position (GRCh38, 1-based): chr4:185,535,338-185,535,340, CTA deleted on the plus strand (TAG on the coding strand, the reverse complement: PDLIM3 is on the minus strand); deleting any 3 consecutive bases within chr4:185,535,338-185,535,341 gives the same sequence; the c. name uses the placement nearest the transcript's 3' end. VCF-style (leftmost placement, unchanged base first): chr4-185535337-CCTA-C. GRCh37 (hg19) VCF-style: chr4-186456491-CCTA-C.
Other names: c.93+2_93+4del (NM_001257963.2, NM_001257962.2, NM_001114107.5).
Identifiers: ClinVar variation 1064403 (VCV001064403.7), dbSNP rs2153340587, ClinGen allele CA2499217183.